The following is an entry in ClinVar:

NM_000226.4(KRT9):c.754G>A (p.Gly252Arg)

Gene: KRT9 (keratin 9; minus strand). Cytogenetic location: 17q21.2.
Variant type: single nucleotide variant.
Coding change: c.754G>A on transcript NM_000226.4 (MANE Select); coding-DNA position 754, G replaced by A.
Protein change: p.Gly252Arg; replaces glycine 252 with arginine.
Molecular consequence: missense variant.
Genome position (GRCh38, 1-based): chr17:41,569,987, C>T on the plus strand (G>A on the coding strand, the complement: KRT9 is on the minus strand). VCF-style: chr17-41569987-C-T. GRCh37 (hg19) VCF-style: chr17-39726239-C-T.
Other names: short protein forms G252R.
Identifiers: ClinVar variation 2869048 (VCV002869048.3), dbSNP rs371875721, ClinGen allele CA290679032.

ClinVar aggregate classification (germline): Uncertain significance (1 of 4 stars; one submission).

Submission:

Labcorp Genetics (formerly Invitae), Labcorp
Classification: Uncertain significance. Last evaluated: 2022-11-17. Review status: criteria provided, single submitter. Criteria: Invitae Variant Classification Sherloc (09022015). Collection method: clinical testing. Allele origin: germline.
Comment: In summary, the available evidence is currently insufficient to determine the role of this variant in disease. Therefore, it has been classified as a Variant of Uncertain Significance. Advanced modeling of protein sequence and biophysical properties (such as structural, functional, and spatial information, amino acid conservation, physicochemical variation, residue mobility, and thermodynamic stability) performed at Invitae indicates that this missense variant is not expected to disrupt KRT9 protein function. This variant has not been reported in the literature in individuals affected with KRT9-related conditions. This variant is not present in population databases (gnomAD no frequency). This sequence change replaces glycine, which is neutral and non-polar, with arginine, which is basic and polar, at codon 252 of the KRT9 protein (p.Gly252Arg).